The following is an entry in ClinVar:

NM_001013838.3(CARMIL2):c.3827G>A (p.Arg1276Lys)

Gene: CARMIL2 (capping protein regulator and myosin 1 linker 2; plus strand). Cytogenetic location: 16q22.1.
Variant type: single nucleotide variant.
Coding change: c.3827G>A on transcript NM_001013838.3 (MANE Select); coding-DNA position 3827, G replaced by A.
Protein change: p.Arg1276Lys; replaces arginine 1276 with lysine.
Molecular consequence: missense variant.
Genome position (GRCh38, 1-based): chr16:67,656,436, G>A. VCF-style: chr16-67656436-G-A. GRCh37 (hg19) VCF-style: chr16-67690339-G-A.
Other names: c.3719G>A, p.Arg1240Lys (NM_001317026.3); short protein forms R1240K, R1276K.
Identifiers: ClinVar variation 1028933 (VCV001028933.1), dbSNP rs779323055, ClinGen allele CA396347776.
Genomic context (GRCh38, chr16:67,656,436, plus strand): 5'-TATCGCCAATGCCTGACCAGGTCTTGGCTGACACCTTTCTCCCTACAGACCCTTCCTGCA[G>A]ACCTGGCCCAGGGAGCCAGGGGCCTGAGTCTGCCACCTGGAAGACACTGGGGCAGCAGTT-3'
Protein context (NP_001013860.1, residues 1266-1286): THSVSADPSC[Arg1276Lys]PGPGSQGPES

ClinVar aggregate classification (germline): Uncertain significance (1 of 4 stars; one submission).

Conditions:
Severe combined immunodeficiency due to CARMIL2 deficiency. Also called: IMMUNODEFICIENCY 58. Identifiers: Orphanet 542301, MedGen C4748304, MONDO:0029134, OMIM 618131.

gnomAD v4.1: 1 of 1,609,406 alleles (0.000062%); no homozygotes.

Submission:

Baylor Genetics
Classification: Uncertain significance for Severe combined immunodeficiency due to CARMIL2 deficiency. Last evaluated: 2019-12-11. Review status: criteria provided, single submitter. Criteria: ACMG Guidelines, 2015. Collection method: clinical testing. Allele origin: unknown. Affected: yes.
Comment: This variant was determined to be of uncertain significance according to ACMG Guidelines, 2015 [PMID:25741868].